The following is an entry in ClinVar:

NM_005188.4(CBL):c.191A>T (p.Asp64Val)

Gene: CBL (Cbl proto-oncogene; plus strand). Cytogenetic location: 11q23.3.
Variant type: single nucleotide variant.
Coding change: c.191A>T on transcript NM_005188.4 (MANE Select); coding-DNA position 191, A replaced by T.
Protein change: p.Asp64Val; replaces aspartic acid 64 with valine.
Molecular consequence: missense variant.
Genome position (GRCh38, 1-based): chr11:119,206,608, A>T. VCF-style: chr11-119206608-A-T. GRCh37 (hg19) VCF-style: chr11-119077318-A-T.
Other names: short protein forms D64V.
Identifiers: ClinVar variation 3485610 (VCV003485610.1).

ClinVar aggregate classification (germline): Uncertain significance (1 of 4 stars; one submission).

Conditions:
Cardiovascular phenotype. Identifiers: MedGen CN230736.

Submission:

Ambry Genetics
Classification: Uncertain significance for Cardiovascular phenotype. Last evaluated: 2024-11-23. Review status: criteria provided, single submitter. Criteria: Ambry Variant Classification Scheme 2023. Collection method: clinical testing. Allele origin: germline.
Comment: The p.D64V variant (also known as c.191A>T), located in coding exon 1 of the CBL gene, results from an A to T substitution at nucleotide position 191. The aspartic acid at codon 64 is replaced by valine, an amino acid with highly dissimilar properties. This amino acid position is conserved. In addition, this alteration is predicted to be deleterious by in silico analysis. Based on the available evidence, the clinical significance of this variant remains unclear.